The following is an entry in ClinVar:

ClinVar aggregate classification (germline): Uncertain significance (1 of 4 stars; one submission).

Conditions:
Cardiovascular phenotype. Identifiers: MedGen CN230736.

Submission:

Ambry Genetics
Classification: Uncertain significance for Cardiovascular phenotype. Last evaluated: 2025-05-19. Review status: criteria provided, single submitter. Criteria: Ambry Variant Classification Scheme 2023. Collection method: clinical testing. Allele origin: germline.
Comment: The p.V496E variant (also known as c.1487T>A), located in coding exon 10 of the CBL gene, results from a T to A substitution at nucleotide position 1487. The valine at codon 496 is replaced by glutamic acid, an amino acid with dissimilar properties. This amino acid position is conserved. In addition, this alteration is predicted to be deleterious by in silico analysis. Based on the available evidence, the clinical significance of this variant remains unclear.

NM_005188.4(CBL):c.1487T>A (p.Val496Glu)

Gene: CBL (Cbl proto-oncogene; plus strand). Cytogenetic location: 11q23.3.
Variant type: single nucleotide variant.
Coding change: c.1487T>A on transcript NM_005188.4 (MANE Select); coding-DNA position 1487, T replaced by A.
Protein change: p.Val496Glu; replaces valine 496 with glutamic acid.
Molecular consequence: missense variant.
Genome position (GRCh38, 1-based): chr11:119,285,024, T>A. VCF-style: chr11-119285024-T-A. GRCh37 (hg19) VCF-style: chr11-119155734-T-A.
Other names: short protein forms V496E.
Identifiers: ClinVar variation 3996060 (VCV003996060.1).